The following is an entry in ClinVar:

NM_006623.4(PHGDH):c.1210G>A (p.Val404Ile)

Gene: PHGDH (phosphoglycerate dehydrogenase; plus strand). Cytogenetic location: 1p12.
Variant type: single nucleotide variant.
Coding change: c.1210G>A on transcript NM_006623.4 (MANE Select); coding-DNA position 1210, G replaced by A.
Protein change: p.Val404Ile; replaces valine 404 with isoleucine.
Molecular consequence: missense variant.
Genome position (GRCh38, 1-based): chr1:119,742,807, G>A. VCF-style: chr1-119742807-G-A. GRCh37 (hg19) VCF-style: chr1-120285430-G-A.
Other names: short protein forms V404I.
Identifiers: ClinVar variation 2548715 (VCV002548715.10), dbSNP rs778430306, ClinGen allele CA1037414.

ClinVar aggregate classification (germline): Conflicting classifications of pathogenicity. Review status: criteria provided, conflicting classifications (1 of 4 stars). 3 submissions from 3 submitters: Uncertain significance (2); Likely benign (1). Last evaluated 2025-03-01.

Conditions:
Neu-Laxova syndrome 1 (NLS1). Identifiers: Orphanet 2671, Orphanet 583607, MedGen C4551478, MONDO:0009736, OMIM 256520. Disease mechanism: loss of function.
PHGDH deficiency. Identifiers: Orphanet 79351, MedGen C1866174, MONDO:0011152, OMIM 601815.
Inborn genetic diseases. Identifiers: MedGen C0950123, MeSH D030342.

Allele frequency attached by ClinVar (database versions not stated): gnomAD 0.00001; gnomAD exomes 0.00001; TOPMed 0.00002; ExAC 0.00007.

Submissions (3):

CeGaT Center for Human Genetics Tuebingen
Classification: Uncertain significance. Last evaluated: 2025-03-01. Review status: criteria provided, single submitter. Criteria: CeGaT Center For Human Genetics Tuebingen Variant Classification Criteria Version 2. Collection method: clinical testing. Allele origin: germline. Affected: yes. Observed: 1 variant allele.
Comment: PHGDH: PM2, PM5, BP4

3billion
Classification: Likely benign for PHGDH deficiency; Neu-Laxova syndrome 1. Last evaluated: 2024-09-20. Review status: criteria provided, single submitter. Criteria: ACMG Guidelines, 2015. Collection method: clinical testing. Allele origin: germline. Affected: no.
Comment: The homozygous variant was found in patients diagnosed with another variant in a different gene, with no symptoms related to the gene containing the homozygous variant.

Ambry Genetics
Classification: Uncertain significance for Inborn genetic diseases. Last evaluated: 2023-05-18. Review status: criteria provided, single submitter. Criteria: Ambry Variant Classification Scheme 2023. Collection method: clinical testing. Allele origin: germline.